The following is an entry in ClinVar:

ClinVar aggregate classification (germline): Benign (1 of 4 stars; one submission).

Conditions:
Familial cancer of breast. Also called: Hereditary breast cancer; hereditary breast carcinoma; BREAST CANCER, FAMILIAL. Identifiers: Orphanet 227535, MedGen C0346153, MONDO:0016419, OMIM 114480. Disease mechanism: loss of function.

Submission:

Myriad Genetics, Inc.
Classification: Benign for Familial cancer of breast. Last evaluated: 2025-01-14. Review status: criteria provided, single submitter. Criteria: Myriad Autosomal Dominant, Autosomal Recessive and X-Linked Classification Criteria (2023). Collection method: clinical testing. Allele origin: unknown.
Comment: This variant is considered benign. This variant is a silent/synonymous amino acid change and it is not expected to impact splicing.

NM_024675.4(PALB2):c.1884G>A (p.Lys628=)

Gene: PALB2 (partner and localizer of BRCA2; minus strand). Cytogenetic location: 16p12.2.
Variant type: single nucleotide variant.
Coding change: c.1884G>A on transcript NM_024675.4 (MANE Select); coding-DNA position 1884, G replaced by A.
Protein change: p.Lys628=; no amino-acid change (lysine 628 retained).
Molecular consequence: synonymous variant. On other transcripts: intron variant (1).
Genome position (GRCh38, 1-based): chr16:23,630,270, C>T on the plus strand (G>A on the coding strand, the complement: PALB2 is on the minus strand). VCF-style: chr16-23630270-C-T. GRCh37 (hg19) VCF-style: chr16-23641591-C-T.
Other names: c.1824G>A, p.Lys608= (NM_001407296.1); c.1884G>A, p.Lys628= (NM_001407297.1, NM_001407298.1, NM_001407299.1 and 3 more transcripts); c.999G>A, p.Lys333= (NM_001407304.1, NM_001407305.1, NM_001407306.1 and 5 more transcripts); c.96G>A, p.Lys32= (NM_001407312.1, NM_001407313.1); c.49-995G>A (NM_001407314.1).
Identifiers: ClinVar variation 3903536 (VCV003903536.1).